The following is an entry in ClinVar:

NM_003620.4(PPM1D):c.1426G>T (p.Glu476Ter)

Gene: PPM1D (protein phosphatase, Mg2+/Mn2+ dependent 1D; plus strand). Cytogenetic location: 17q23.2.
Variant type: single nucleotide variant.
Coding change: c.1426G>T on transcript NM_003620.4 (MANE Select); coding-DNA position 1426, G replaced by T.
Protein change: p.Glu476Ter; replaces glutamic acid 476 with a stop codon.
Molecular consequence: nonsense.
Genome position (GRCh38, 1-based): chr17:60,663,160, G>T. VCF-style: chr17-60663160-G-T. GRCh37 (hg19) VCF-style: chr17-58740521-G-T.
Other names: short protein forms E476*.
Identifiers: ClinVar variation 4850708 (VCV004850708.2).

ClinVar aggregate classification (germline): Conflicting classifications of pathogenicity. Review status: criteria provided, conflicting classifications (1 of 4 stars). 2 submissions from 2 submitters: Pathogenic (1); Uncertain significance (1). Last evaluated 2025-12-14.

Conditions:
Intellectual developmental disorder with gastrointestinal difficulties and high pain threshold (JDVS). Also called: JANSEN-DE VRIES SYNDROME. Identifiers: Orphanet 653767, MedGen C4479517, MONDO:0044318, OMIM 617450.

gnomAD v4.1: 2 of 1,614,066 alleles (0.00012%); highest among the groups gnomAD compares: Non-Finnish European, 0.000085%; no homozygotes.

Submissions (2):

Variantyx, Inc.
Classification: Pathogenic for Intellectual developmental disorder with gastrointestinal difficulties and high pain threshold. Last evaluated: 2025-12-14. Review status: criteria provided, single submitter. Criteria: Variantyx Assertion Criteria 2022. Collection method: clinical testing. Allele origin: de novo. Inheritance: Autosomal dominant inheritance. Affected: yes.
Comment: This is a nonsense variant in the PPM1D gene (OMIM: 605100). Pathogenic variants in this gene have been associated with autosomal dominant Jansen-de Vries syndrome. This variant introduces a premature termination codon in exon 6 out of 6 and it is not expected to result in nonsense-mediated mRNA decay and a truncated protein may be produced (PM4). The majority of disease-causing variants are located in the last or penultimate exon and are expected to escape nonsense-mediated mRNA decay (PMID: 28343630) (PM1_Strong). This variant has a 0.0001% maximum allele frequency in non-founder control populations (PM2). Based on the current evidence, this variant is classified as pathogenic for autosomal dominant Jansen-de Vries syndrome. This variant was reported by previous genetic testing.

Blueprint Genetics
Classification: Uncertain significance. Last evaluated: 2020-08-04. Review status: criteria provided, single submitter. Criteria: ACMG Guidelines, 2015. Collection method: clinical testing. Allele origin: germline.

Literature cited by the submitters: PubMed 28343630 (cited by Variantyx, Inc.).